The following is an entry in ClinVar:

ClinVar aggregate classification (germline): Conflicting classifications of pathogenicity. Review status: criteria provided, conflicting classifications (1 of 4 stars). 2 submissions from 2 submitters: Uncertain significance (1); Likely benign (1). Last evaluated 2025-08-31.

Conditions:
Long QT syndrome (LQTS). Identifiers: MedGen C0023976, MeSH D008133, MONDO:0002442. Disease mechanism: loss of function. Inheritance: Various modes of inheritance.
Cardiovascular phenotype. Identifiers: MedGen CN230736.

Allele frequency attached by ClinVar (database versions not stated): gnomAD exomes below 0.00001.
gnomAD v4.1: 1 of 1,614,076 alleles (0.000062%); highest among the groups gnomAD compares: Non-Finnish European, 0.000085%; no homozygotes.

Submissions (2):

Labcorp Genetics (formerly Invitae), Labcorp
Classification: Uncertain significance for Long QT syndrome. Last evaluated: 2025-08-31. Review status: criteria provided, single submitter. Criteria: Invitae Variant Classification Sherloc (09022015). Collection method: clinical testing. Allele origin: germline.
Comment: This sequence change replaces asparagine, which is neutral and polar, with serine, which is neutral and polar, at codon 2801 of the AKAP9 protein (p.Asn2801Ser). This variant is not present in population databases (gnomAD no frequency). This variant has not been reported in the literature in individuals affected with AKAP9-related conditions. ClinVar contains an entry for this variant (Variation ID: 3225100). An algorithm developed to predict the effect of missense changes on protein structure and function outputs the following: PolyPhen-2: "Benign". The serine amino acid residue is found in multiple mammalian species, which suggests that this missense change does not adversely affect protein function. In summary, the available evidence is currently insufficient to determine the role of this variant in disease. Therefore, it has been classified as a Variant of Uncertain Significance.

Ambry Genetics
Classification: Likely benign for Cardiovascular phenotype. Last evaluated: 2024-02-13. Review status: criteria provided, single submitter. Criteria: Ambry Variant Classification Scheme 2023. Collection method: clinical testing. Allele origin: germline.

NM_005751.5(AKAP9):c.8402A>G (p.Asn2801Ser)

Gene: AKAP9 (A-kinase anchoring protein 9; plus strand). Cytogenetic location: 7q21.2.
Variant type: single nucleotide variant.
Coding change: c.8402A>G on transcript NM_005751.5 (MANE Select); coding-DNA position 8402, A replaced by G.
Protein change: p.Asn2801Ser; replaces asparagine 2801 with serine.
Molecular consequence: missense variant.
Genome position (GRCh38, 1-based): chr7:92,083,411, A>G. VCF-style: chr7-92083411-A-G. GRCh37 (hg19) VCF-style: chr7-91712725-A-G.
Other names: c.3047A>G, p.Asn1016Ser (NM_001379277.1); c.8378A>G, p.Asn2793Ser (NM_147185.3); short protein forms N1016S, N2793S, N2801S.
Identifiers: ClinVar variation 3225100 (VCV003225100.2), dbSNP rs2535258525, ClinGen allele CA368138806.